The following is an entry in ClinVar:

ClinVar aggregate classification (germline): Uncertain significance (1 of 4 stars; one submission).

Submission:

Labcorp Genetics (formerly Invitae), Labcorp
Classification: Uncertain significance. Last evaluated: 2022-08-07. Review status: criteria provided, single submitter. Criteria: Invitae Variant Classification Sherloc (09022015). Collection method: clinical testing. Allele origin: germline.
Comment: In summary, the available evidence is currently insufficient to determine the role of this variant in disease. Therefore, it has been classified as a Variant of Uncertain Significance. Algorithms developed to predict the effect of sequence changes on RNA splicing suggest that this variant may disrupt the consensus splice site. This variant has not been reported in the literature in individuals affected with CLUAP1-related conditions. This variant is not present in population databases (gnomAD no frequency). This sequence change falls in intron 8 of the CLUAP1 gene. It does not directly change the encoded amino acid sequence of the CLUAP1 protein.

NM_015041.3(CLUAP1):c.856-14T>G

Gene: CLUAP1 (clusterin associated protein 1; plus strand). Cytogenetic location: 16p13.3.
Variant type: single nucleotide variant.
Coding change: c.856-14T>G on transcript NM_015041.3 (MANE Select); 14 bases into the intron before coding-DNA position 856, T replaced by G.
Molecular consequence: intron variant.
Genome position (GRCh38, 1-based): chr16:3,526,398, T>G. VCF-style: chr16-3526398-T-G. GRCh37 (hg19) VCF-style: chr16-3576398-T-G.
Other names: c.856-14T>G (NM_001330454.2); c.358-14T>G (NM_024793.3).
Identifiers: ClinVar variation 2022432 (VCV002022432.4), dbSNP rs2543989620, ClinGen allele CA2580091077.